The following is an entry in ClinVar:

NM_001195553.2(DCX):c.904C>T (p.Arg302Cys)

Gene: DCX (doublecortin; minus strand). Cytogenetic location: Xq23.
Variant type: single nucleotide variant.
Coding change: c.904C>T on transcript NM_001195553.2 (MANE Select); coding-DNA position 904, C replaced by T.
Protein change: p.Arg302Cys; replaces arginine 302 with cysteine.
Molecular consequence: missense variant.
Genome position (GRCh38, 1-based): chrX:111,330,946, G>A on the plus strand (C>T on the coding strand, the complement: DCX is on the minus strand). VCF-style: chrX-111330946-G-A. GRCh37 (hg19) VCF-style: chrX-110574174-G-A.
Other names: c.1147C>T, p.Arg383Cys (NM_000555.3); c.904C>T, p.Arg302Cys (NM_001369370.1, NM_001369371.1, NM_001369372.1 and 6 more transcripts); short protein forms R302C, R383C.
Identifiers: ClinVar variation 2631966 (VCV002631966.2), dbSNP rs1921162247, ClinGen allele CA414241116.

ClinVar aggregate classification (germline): Uncertain significance. Review status: criteria provided, multiple submitters, no conflicts (2 of 4 stars). 2 submissions from 2 submitters: Uncertain significance (2). Last evaluated 2025-10-01.

Conditions:
DCX-related disorder. Also called: DCX-related condition; DCX-Related Disorders. Identifiers: MedGen CN381525.

Allele frequency attached by ClinVar (database versions not stated): TOPMed below 0.00001; gnomAD exomes 0.00001.
gnomAD v4.1: 6 of 1,211,936 alleles (0.0005%); highest among the groups gnomAD compares: Non-Finnish European, 0.00067%; no homozygotes.

Submissions (2):

Labcorp Genetics (formerly Invitae), Labcorp
Classification: Uncertain significance. Last evaluated: 2025-10-01. Review status: criteria provided, single submitter. Criteria: Invitae Variant Classification Sherloc (09022015). Collection method: clinical testing. Allele origin: germline.
Comment: This sequence change replaces arginine, which is basic and polar, with cysteine, which is neutral and slightly polar, at codon 302 of the DCX protein (p.Arg302Cys). This variant is not present in population databases (gnomAD no frequency). This variant has not been reported in the literature in individuals affected with DCX-related conditions. ClinVar contains an entry for this variant (Variation ID: 2631966). Invitae Evidence Modeling of protein sequence and biophysical properties (such as structural, functional, and spatial information, amino acid conservation, physicochemical variation, residue mobility, and thermodynamic stability) indicates that this missense variant is not expected to disrupt DCX protein function with a negative predictive value of 80%. In summary, the available evidence is currently insufficient to determine the role of this variant in disease. Therefore, it has been classified as a Variant of Uncertain Significance.

PreventionGenetics, part of Exact Sciences
Classification: Uncertain significance for DCX-related condition. Last evaluated: 2023-06-14. Review status: criteria provided, single submitter. Criteria: ACMG Guidelines, 2015. Collection method: clinical testing. Allele origin: germline.
Comment: The DCX c.1147C>T variant is predicted to result in the amino acid substitution p.Arg383Cys. To our knowledge, this variant has not been reported in the literature or in a large population database, indicating this variant is rare. At this time, the clinical significance of this variant is uncertain due to the absence of conclusive functional and genetic evidence.